The following is an entry in ClinVar:

ClinVar aggregate classification (germline): Likely benign (1 of 4 stars; one submission).

gnomAD v4.1: 6,689 of 1,614,118 alleles (0.41%); highest among the groups gnomAD compares: Non-Finnish European, 0.52%; 20 homozygotes.

Submission:

CeGaT Center for Human Genetics Tuebingen
Classification: Likely benign. Last evaluated: 2026-03-01. Review status: criteria provided, single submitter. Criteria: CeGaT Center For Human Genetics Tuebingen Variant Classification Criteria Version 2. Collection method: clinical testing. Allele origin: germline. Affected: yes. Observed: 7 variant alleles.
Comment: SYCE2: BP4, BS2

NM_001105578.2(SYCE2):c.265C>T (p.His89Tyr)

Gene: SYCE2 (synaptonemal complex central element protein 2; minus strand). Cytogenetic location: 19p13.13.
Variant type: single nucleotide variant.
Coding change: c.265C>T on transcript NM_001105578.2 (MANE Select); coding-DNA position 265, C replaced by T.
Protein change: p.His89Tyr; replaces histidine 89 with tyrosine.
Molecular consequence: missense variant.
Genome position (GRCh38, 1-based): chr19:12,904,533, G>A on the plus strand (C>T on the coding strand, the complement: SYCE2 is on the minus strand). VCF-style: chr19-12904533-G-A. GRCh37 (hg19) VCF-style: chr19-13015347-G-A.
Other names: short protein forms H89Y.
Identifiers: ClinVar variation 3770622 (VCV003770622.13).